The following is an entry in ClinVar:

NM_001171.6(ABCC6):c.37-1G>A

Gene: ABCC6 (ATP binding cassette subfamily C member 6; minus strand). Cytogenetic location: 16p13.11.
Variant type: single nucleotide variant.
Coding change: c.37-1G>A on transcript NM_001171.6 (MANE Select); the canonical splice acceptor site of the intron before coding-DNA position 37, G replaced by A.
Molecular consequence: splice acceptor variant.
Genome position (GRCh38, 1-based): chr16:16,221,832, C>T on the plus strand (G>A on the coding strand, the complement: ABCC6 is on the minus strand). VCF-style: chr16-16221832-C-T. GRCh37 (hg19) VCF-style: chr16-16315689-C-T.
Other names: c.-337-1G>A (NM_001351800.1); c.37-1G>A (NM_001079528.4).
Identifiers: ClinVar variation 433372 (VCV000433372.7), dbSNP rs72657702, ClinGen allele CA279014409.
Genomic context (GRCh38, chr16:16,221,832, plus strand): 5'-CAGGAAGCACAGGCTCAGCAGGCTGGTGGCGGCAGGTTCAGGCTCTGTCTGGTTCCAGAC[C>T]TGAGGGAACACAAAGAGGACCCTTAGGATGGTACAAGGCAGGGGTCCCCAGCTCACCTGC-3'

ClinVar aggregate classification (germline): Pathogenic/Likely pathogenic. Review status: criteria provided, multiple submitters, no conflicts (2 of 4 stars). 5 submissions from 5 submitters: Pathogenic (3); Likely pathogenic (1). 1 of the submissions does not count toward it. Last evaluated 2025-10-19.

Conditions:
ABCC6-related disorder. Also called: ABCC6-related condition.
Arterial calcification, generalized, of infancy, 2. Identifiers: Orphanet 51608, MedGen C3276161, MONDO:0013768, OMIM 614473.
Autosomal recessive inherited pseudoxanthoma elasticum (PXE). Identifiers: Orphanet 758, MedGen CN032334, MONDO:0009925, OMIM 264800.
Pseudoxanthoma elasticum, forme fruste. Also called: Pseudoxanthoma Elasticum, Incomplete; PSEUDOXANTHOMA ELASTICUM, HETEROZYGOUS. Identifiers: Orphanet 758, MedGen C1867450, MONDO:0008333, OMIM 177850.

Allele frequency attached by ClinVar (database versions not stated): gnomAD 0.00001; gnomAD exomes 0.00001 and 0.00002; TOPMed 0.00002.
gnomAD v4.1: 18 of 1,612,818 alleles (0.0011%); highest among the groups gnomAD compares: Non-Finnish European, 0.0015%; no homozygotes.

Submissions (5):

PreventionGenetics, part of Exact Sciences
Classification: Likely pathogenic for ABCC6-related condition. Last evaluated: 2025-10-19. Review status: criteria provided, single submitter. Criteria: ACMG Guidelines, 2015. Collection method: clinical testing. Allele origin: germline.
Comment: The ABCC6 c.37-1G>A variant is predicted to disrupt the AG splice acceptor site and interfere with normal splicing. This variant was reported in several individuals with pseudoxanthoma elasticum (Schulz et al. 2006. PubMed ID: 16835894; Table S1, Saeidian et al. 2021. PubMed ID: 34906475). This variant is reported in 0.0071% of alleles in individuals of African descent in gnomAD. Variants that disrupt the consensus splice acceptor site in ABCC6 are expected to be pathogenic. This variant is interpreted as likely pathogenic.

GeneDx
Classification: Pathogenic. Last evaluated: 2024-08-30. Review status: criteria provided, single submitter. Criteria: GeneDx Variant Classification Process June 2021. Collection method: clinical testing. Allele origin: germline. Affected: yes.
Comment: Canonical splice site variant predicted to result in an in-frame loss of the adjacent exon in a gene for which loss of function is a known mechanism of disease; This variant is associated with the following publications: (PMID: 25525159, 16835894, 34906475, 35261845)

Fulgent Genetics
Classification: Pathogenic for Pseudoxanthoma elasticum, forme fruste; Autosomal recessive inherited pseudoxanthoma elasticum; Arterial calcification, generalized, of infancy, 2. Last evaluated: 2024-03-12. Review status: criteria provided, single submitter. Criteria: ACMG Guidelines, 2015. Collection method: clinical testing. Allele origin: germline.

Institute of Human Genetics, University of Leipzig Medical Center
Classification: Pathogenic for Autosomal recessive inherited pseudoxanthoma elasticum. Last evaluated: 2022-01-24. Review status: criteria provided, single submitter. Criteria: ACMG Guidelines, 2015. Collection method: clinical testing. Allele origin: unknown. Affected: yes.
Comment: This variant was identified together with NM_001171.6:c.3736-1G>A._x000D_ Criteria applied: PVS1, PS4_MOD, PM2_SUP

PXE International
Classification: Likely pathogenic for Autosomal recessive inherited pseudoxanthoma elasticum. Last evaluated: 2021-03-01. Review status: no assertion criteria provided. Collection method: research. Allele origin: germline. Inheritance: Autosomal recessive inheritance. Affected: yes. Not counted in ClinVar's aggregate classification.

Literature cited by the submitters: PubMed 16835894 (cited by PXE International).